The following is an entry in ClinVar:

NM_001145809.2(MYH14):c.4684C>T (p.Arg1562Trp)

Gene: MYH14 (myosin heavy chain 14; plus strand). Cytogenetic location: 19q13.33.
Variant type: single nucleotide variant.
Coding change: c.4684C>T on transcript NM_001145809.2 (MANE Select); coding-DNA position 4684, C replaced by T.
Protein change: p.Arg1562Trp; replaces arginine 1562 with tryptophan.
Molecular consequence: missense variant.
Genome position (GRCh38, 1-based): chr19:50,286,626, C>T. VCF-style: chr19-50286626-C-T. GRCh37 (hg19) VCF-style: chr19-50789883-C-T.
Other names: c.4585C>T, p.Arg1529Trp (NM_001077186.2); c.4561C>T, p.Arg1521Trp (NM_024729.4); c.4561C>T (NM_024729.3); short protein forms R1529W, R1562W, R1521W.
Identifiers: ClinVar variation 1428283 (VCV001428283.9), dbSNP rs781219181, ClinGen allele CA9593571.

ClinVar aggregate classification (germline): Uncertain significance. Review status: criteria provided, multiple submitters, no conflicts (2 of 4 stars). 2 submissions from 2 submitters: Uncertain significance (2). Last evaluated 2024-11-05.

Allele frequency attached by ClinVar (database versions not stated): gnomAD 0.00002; TOPMed 0.00002; gnomAD exomes 0.00003.
gnomAD v4.1: 22 of 1,597,166 alleles (0.0014%); highest among the groups gnomAD compares: Admixed American, 0.012%; no homozygotes.

Submissions (2):

Labcorp Genetics (formerly Invitae), Labcorp
Classification: Uncertain significance. Last evaluated: 2024-11-05. Review status: criteria provided, single submitter. Criteria: Invitae Variant Classification Sherloc (09022015). Collection method: clinical testing. Allele origin: germline.
Comment: This sequence change replaces arginine, which is basic and polar, with tryptophan, which is neutral and slightly polar, at codon 1521 of the MYH14 protein (p.Arg1521Trp). This variant is present in population databases (rs781219181, gnomAD 0.01%). This variant has not been reported in the literature in individuals affected with MYH14-related conditions. ClinVar contains an entry for this variant (Variation ID: 1428283). Invitae Evidence Modeling of protein sequence and biophysical properties (such as structural, functional, and spatial information, amino acid conservation, physicochemical variation, residue mobility, and thermodynamic stability) indicates that this missense variant is expected to disrupt MYH14 protein function with a positive predictive value of 80%. In summary, the available evidence is currently insufficient to determine the role of this variant in disease. Therefore, it has been classified as a Variant of Uncertain Significance.

GeneDx
Classification: Uncertain significance. Last evaluated: 2024-07-30. Review status: criteria provided, single submitter. Criteria: GeneDx Variant Classification Process June 2021. Collection method: clinical testing. Allele origin: germline. Affected: yes.
Comment: In silico analysis supports that this missense variant has a deleterious effect on protein structure/function; Has not been previously published as pathogenic or benign to our knowledge